The following is an entry in ClinVar:

NM_003482.4(KMT2D):c.8074C>T (p.Arg2692Trp)

Gene: KMT2D (lysine methyltransferase 2D; minus strand). Cytogenetic location: 12q13.12.
Variant type: single nucleotide variant.
Coding change: c.8074C>T on transcript NM_003482.4 (MANE Select); coding-DNA position 8074, C replaced by T.
Protein change: p.Arg2692Trp; replaces arginine 2692 with tryptophan.
Molecular consequence: missense variant.
Genome position (GRCh38, 1-based): chr12:49,039,590, G>A on the plus strand (C>T on the coding strand, the complement: KMT2D is on the minus strand). VCF-style: chr12-49039590-G-A. GRCh37 (hg19) VCF-style: chr12-49433373-G-A.
Other names: short protein forms R2692W.
Identifiers: ClinVar variation 2505527 (VCV002505527.1), dbSNP rs771966959, ClinGen allele CA384744365.
Genomic context (GRCh38, chr12:49,039,590, plus strand): 5'-CTGCAGCTGCTGCAGCTGTTTCCTTCTCCTGCCGCAGGGTGTTGCGCTGGATCTGCTGCC[G>A]AATCAGCAGCTCTCGTAGTCGCTGGCGCTATGCAAAAAAAAGAGAAGAGGAATAAGCCCA-3'
Protein context (NP_003473.3, residues 2682-2702): QRQRLRELLI[Arg2692Trp]QQIQRNTLRQ

ClinVar aggregate classification (germline): Likely benign (1 of 4 stars; one submission).

Conditions:
Kabuki syndrome 1 (KABUK1). Also called: KMT2D-Related Kabuki Syndrome. Identifiers: Orphanet 2322, MedGen CN030661, MONDO:0007843, OMIM 147920.

gnomAD v4.1: 5 of 1,610,432 alleles (0.00031%); highest among the groups gnomAD compares: Non-Finnish European, 0.00042%; no homozygotes.

Submission:

Dr. med. U. Finckh, Human Genetics, Eurofins MVZ
Classification: Likely benign for Kabuki syndrome 1. Last evaluated: 2023-01-01. Review status: criteria provided, single submitter. Criteria: ACMG Guidelines, 2015. Collection method: clinical testing. Allele origin: paternal. Affected: no.
Comment: It is listed twice in gnomAD.